The following is an entry in ClinVar:

ClinVar aggregate classification (germline): Uncertain significance (1 of 4 stars; one submission).

Conditions:
Brain small vessel disease 2A, autosomal dominant. Also called: Porencephaly 2. Identifiers: Orphanet 2940, Orphanet 99810, MedGen C3280970, MONDO:0013773, OMIM 614483.

Allele frequency attached by ClinVar (database versions not stated): gnomAD exomes below 0.00001.

Submission:

Centre for Mendelian Genomics, University Medical Centre Ljubljana
Classification: Uncertain significance for Brain small vessel disease 2A, autosomal dominant. Last evaluated: 2020-04-01. Review status: criteria provided, single submitter. Criteria: ACMG Guidelines, 2015. Collection method: clinical testing. Allele origin: unknown. Affected: yes.
Comment: This variant was classified as: Uncertain significance. The available evidence on this variant's pathogenicity is insufficient or conflicting. The following ACMG criteria were applied in classifying this variant: PP3,BP1.

NM_001846.4(COL4A2):c.4969G>A (p.Glu1657Lys)

Gene: COL4A2 (collagen type IV alpha 2 chain; plus strand). Cytogenetic location: 13q34.
Variant type: single nucleotide variant.
Coding change: c.4969G>A on transcript NM_001846.4 (MANE Select); coding-DNA position 4969, G replaced by A.
Protein change: p.Glu1657Lys; replaces glutamic acid 1657 with lysine.
Molecular consequence: missense variant.
Genome position (GRCh38, 1-based): chr13:110,512,021, G>A. VCF-style: chr13-110512021-G-A. GRCh37 (hg19) VCF-style: chr13-111164368-G-A.
Other names: short protein forms E1657K.
Identifiers: ClinVar variation 931894 (VCV000931894.3), dbSNP rs1232600556, ClinGen allele CA388744103.